The following is an entry in ClinVar:

ClinVar aggregate classification (germline): Uncertain significance. Review status: criteria provided, multiple submitters, no conflicts (2 of 4 stars). 2 submissions from 2 submitters: Uncertain significance (2). Last evaluated 2024-08-19.

Conditions:
Hereditary nonpolyposis colorectal neoplasms. Identifiers: MedGen C0009405, MeSH D003123.
Hereditary cancer-predisposing syndrome. Also called: Tumor predisposition; Hereditary neoplastic syndrome; Neoplastic Syndromes, Hereditary; Hereditary Cancer Syndrome. Identifiers: Orphanet 140162, MedGen C0027672, MeSH D009386, MONDO:0015356.

Submissions (2):

Ambry Genetics
Classification: Uncertain significance for Hereditary cancer-predisposing syndrome. Last evaluated: 2024-08-19. Review status: criteria provided, single submitter. Criteria: Ambry Variant Classification Scheme 2023. Collection method: clinical testing. Allele origin: germline.
Comment: The p.A116S variant (also known as c.346G>T), located in coding exon 4 of the PMS2 gene, results from a G to T substitution at nucleotide position 346. The alanine at codon 116 is replaced by serine, an amino acid with similar properties. This amino acid position is conserved. In addition, this alteration is predicted to be deleterious by in silico analysis. Based on the available evidence, the clinical significance of this variant remains unclear.

Labcorp Genetics (formerly Invitae), Labcorp
Classification: Uncertain significance for Hereditary nonpolyposis colorectal neoplasms. Last evaluated: 2023-01-18. Review status: criteria provided, single submitter. Criteria: Invitae Variant Classification Sherloc (09022015). Collection method: clinical testing. Allele origin: germline.
Comment: ClinVar contains an entry for this variant (Variation ID: 859854). This variant has not been reported in the literature in individuals affected with PMS2-related conditions. This variant is not present in population databases (gnomAD no frequency). This sequence change replaces alanine, which is neutral and non-polar, with serine, which is neutral and polar, at codon 116 of the PMS2 protein (p.Ala116Ser). In summary, the available evidence is currently insufficient to determine the role of this variant in disease. Therefore, it has been classified as a Variant of Uncertain Significance. Advanced modeling of protein sequence and biophysical properties (such as structural, functional, and spatial information, amino acid conservation, physicochemical variation, residue mobility, and thermodynamic stability) has been performed at Invitae for this missense variant, however the output from this modeling did not meet the statistical confidence thresholds required to predict the impact of this variant on PMS2 protein function.

NM_000535.7(PMS2):c.346G>T (p.Ala116Ser)

Gene: PMS2 (PMS1 homolog 2, mismatch repair system component; minus strand). Cytogenetic location: 7p22.1.
Variant type: single nucleotide variant.
Coding change: c.346G>T on transcript NM_000535.7 (MANE Select); coding-DNA position 346, G replaced by T.
Protein change: p.Ala116Ser; replaces alanine 116 with serine.
Molecular consequence: missense variant. On other transcripts: 5 prime UTR variant (9), non-coding transcript variant (1), intron variant (2).
Genome position (GRCh38, 1-based): chr7:6,003,697, C>A on the plus strand (G>T on the coding strand, the complement: PMS2 is on the minus strand). VCF-style: chr7-6003697-C-A. GRCh37 (hg19) VCF-style: chr7-6043328-C-A.
Other names: c.-60G>T (NM_001322003.2, NM_001322004.2, NM_001322005.2 and 3 more transcripts); c.346G>T, p.Ala116Ser (NM_001322006.2, NM_001322014.2); c.-539G>T (NM_001322011.2, NM_001322012.2); c.-139G>T (NM_001322015.2); c.35+275G>T (NM_001322008.2, NM_001322007.2); short protein forms A116S.
Identifiers: ClinVar variation 859854 (VCV000859854.10), dbSNP rs751799116, ClinGen allele CA366744536.
Genomic context (GRCh38, chr7:6,003,697, plus strand): 5'-TTCAGAGAGGTTTCTCTAAGGGGTCAAGTGAGTGGATAAAAATATTGTATCACCTCAGTG[C>A]ACAAAGTGAGCTCAGAGCTTCCCCCCGAAAGCCAAAAGTTTCAACCTGAGTTAGGTCGGC-3'
Protein context (NP_000526.2, residues 106-126): FRGEALSSLC[Ala116Ser]LSDVTISTCH